The following is an entry in ClinVar:

ClinVar aggregate classification (germline): Uncertain significance (1 of 4 stars; one submission).

Conditions:
Luscan-Lumish syndrome. Identifiers: Orphanet 597738, MedGen C4085873, MONDO:0014791, OMIM 616831.

gnomAD v4.1: 4 of 1,614,066 alleles (0.00025%); highest among the groups gnomAD compares: African/African-American, 0.0053%; no homozygotes.

Submission:

Labcorp Genetics (formerly Invitae), Labcorp
Classification: Uncertain significance for Luscan-Lumish syndrome. Last evaluated: 2024-11-27. Review status: criteria provided, single submitter. Criteria: Invitae Variant Classification Sherloc (09022015). Collection method: clinical testing. Allele origin: germline.
Comment: This sequence change replaces alanine, which is neutral and non-polar, with valine, which is neutral and non-polar, at codon 1290 of the SETD2 protein (p.Ala1290Val). This variant is present in population databases (rs140549337, gnomAD 0.01%). This variant has not been reported in the literature in individuals affected with SETD2-related conditions. Invitae Evidence Modeling of protein sequence and biophysical properties (such as structural, functional, and spatial information, amino acid conservation, physicochemical variation, residue mobility, and thermodynamic stability) indicates that this missense variant is not expected to disrupt SETD2 protein function with a negative predictive value of 80%. In summary, the available evidence is currently insufficient to determine the role of this variant in disease. Therefore, it has been classified as a Variant of Uncertain Significance.

NM_014159.7(SETD2):c.3869C>T (p.Ala1290Val)

Gene: SETD2 (SET domain containing 2, histone lysine methyltransferase; minus strand). Cytogenetic location: 3p21.31.
Variant type: single nucleotide variant.
Coding change: c.3869C>T on transcript NM_014159.7 (MANE Select); coding-DNA position 3869, C replaced by T.
Protein change: p.Ala1290Val; replaces alanine 1290 with valine.
Molecular consequence: missense variant. On other transcripts: non-coding transcript variant (1).
Genome position (GRCh38, 1-based): chr3:47,120,767, G>A on the plus strand (C>T on the coding strand, the complement: SETD2 is on the minus strand). VCF-style: chr3-47120767-G-A. GRCh37 (hg19) VCF-style: chr3-47162257-G-A.
Other names: c.3737C>T, p.Ala1246Val (NM_001349370.3); short protein forms A1290V, A1246V.
Identifiers: ClinVar variation 3715124 (VCV003715124.2).
Genomic context (GRCh38, chr3:47,120,767, plus strand): 5'-GATCTTGGATCCCAGTAACCATTGCCTTGCCAGTAATCACGTGTCCCACCATACTGTTCT[G>A]CATTTTGCTGATACTTGTGTCCACCACAAGCTCCATAGCTACTGTCAGGTTGCTGATACG-3'
Protein context (NP_054878.5, residues 1280-1300): ACGGHKYQQN[Ala1290Val]EQYGGTRDYW